The following is an entry in ClinVar:

NM_198428.3(BBS9):c.1779C>T (p.Ser593=)

Gene: BBS9 (Bardet-Biedl syndrome 9; plus strand). Cytogenetic location: 7p14.3.
Variant type: single nucleotide variant.
Coding change: c.1779C>T on transcript NM_198428.3 (MANE Select); coding-DNA position 1779, C replaced by T.
Protein change: p.Ser593=; no amino-acid change (serine 593 retained).
Molecular consequence: synonymous variant. On other transcripts: non-coding transcript variant (3).
Genome position (GRCh38, 1-based): chr7:33,367,852, C>T. VCF-style: chr7-33367852-C-T. GRCh37 (hg19) VCF-style: chr7-33407464-C-T.
Other names: c.1674C>T, p.Ser558= (NM_001033604.2); c.1764C>T, p.Ser588= (NM_001033605.2); c.1779C>T, p.Ser593= (NM_001348036.1, NM_001348041.4, NM_001348043.3 and 3 more transcripts); c.1413C>T, p.Ser471= (NM_001348037.3, NM_001348045.3, NM_001348046.3); c.1506C>T, p.Ser502= (NM_001348038.3); c.1401C>T, p.Ser467= (NM_001348039.3); c.1659C>T, p.Ser553= (NM_001348040.3, NM_014451.4); c.1644C>T, p.Ser548= (NM_001348042.3); and 2 more.
Identifiers: ClinVar variation 2583046 (VCV002583046.30), dbSNP rs767895285, ClinGen allele CA4214486.

ClinVar aggregate classification (germline): Likely benign. Review status: criteria provided, multiple submitters, no conflicts (2 of 4 stars). 4 submissions from 4 submitters: Likely benign (3). 1 of the submissions does not count toward it. Last evaluated 2026-01-20.

Conditions:
Bardet-Biedl syndrome (BBS). Identifiers: Orphanet 110, MedGen C0752166, MONDO:0015229.
BBS9-related disorder. Also called: BBS9-related condition.

Allele frequency attached by ClinVar (database versions not stated): TOPMed 0.00003; ExAC 0.00005; gnomAD exomes 0.00005.
gnomAD v4.1: 30 of 1,613,524 alleles (0.0019%); highest among the groups gnomAD compares: East Asian, 0.067%; no homozygotes.

Submissions (4):

Labcorp Genetics (formerly Invitae), Labcorp
Classification: Likely benign for Bardet-Biedl syndrome. Last evaluated: 2026-01-20. Review status: criteria provided, single submitter. Criteria: Invitae Variant Classification Sherloc (09022015). Collection method: clinical testing. Allele origin: germline.

CeGaT Center for Human Genetics Tuebingen
Classification: Likely benign. Last evaluated: 2023-10-01. Review status: criteria provided, single submitter. Criteria: CeGaT Center For Human Genetics Tuebingen Variant Classification Criteria Version 2. Collection method: clinical testing. Allele origin: germline. Affected: yes. Observed: 1 variant allele.
Comment: BBS9: BP4, BP7

Blueprint Genetics
Classification: Likely benign. Last evaluated: 2019-11-14. Review status: criteria provided, single submitter. Criteria: ACMG Guidelines, 2015. Collection method: clinical testing. Allele origin: germline.

PreventionGenetics, part of Exact Sciences
Classification: Likely benign for BBS9-related condition. Last evaluated: 2019-09-10. Review status: no assertion criteria provided. Collection method: clinical testing. Allele origin: germline. Not counted in ClinVar's aggregate classification.
Comment: This variant is classified as likely benign based on ACMG/AMP sequence variant interpretation guidelines (Richards et al. 2015 PMID: 25741868, with internal and published modifications).